The following is an entry in ClinVar:

ClinVar aggregate classification (germline): Likely pathogenic (1 of 4 stars; one submission).

Conditions:
Atelosteogenesis type III. Also called: Atelosteogenesis Type 3 (FLNB-AO3). Identifiers: Orphanet 56305, MedGen C3668942, MONDO:0007168, OMIM 108721.

Submission:

Center for Human Genetics and Genomic Medicine, Uniklinik Rwth Aachen
Classification: Likely pathogenic for Atelosteogenesis type III. Review status: criteria provided, single submitter. Criteria: ACMG Guidelines, 2015. Collection method: clinical testing. Allele origin: de novo. Inheritance: Autosomal dominant inheritance. Affected: yes.
Comment: De novo variant. Maternity or paternity not confirmed.

NM_001457.4(FLNB):c.1739G>T (p.Gly580Val)

Gene: FLNB (filamin B; plus strand). Cytogenetic location: 3p14.3.
Variant type: single nucleotide variant.
Coding change: c.1739G>T on transcript NM_001457.4 (MANE Select); coding-DNA position 1739, G replaced by T.
Protein change: p.Gly580Val; replaces glycine 580 with valine.
Molecular consequence: missense variant.
Genome position (GRCh38, 1-based): chr3:58,105,208, G>T. VCF-style: chr3-58105208-G-T. GRCh37 (hg19) VCF-style: chr3-58090935-G-T.
Other names: c.1739G>T, p.Gly580Val (NM_001164317.2, NM_001164318.2, NM_001164319.2); short protein forms G580V.
Identifiers: ClinVar variation 915265 (VCV000915265.2), dbSNP rs2097257677, ClinGen allele CA353339507.